The following is an entry in ClinVar:

ClinVar aggregate classification (germline): Benign/Likely benign. Review status: criteria provided, multiple submitters, no conflicts (2 of 4 stars). 7 submissions from 6 submitters: Benign (4); Likely benign (3). Last evaluated 2025-12-29.

Conditions:
Baraitser-Winter syndrome 1 (BRWS1). Also called: BARAITSER-WINTER SYNDROME 1, ATYPICAL; Cerebrofrontofacial syndrome; PACHYGYRIA, MENTAL RETARDATION, EPILEPSY, AND CHARACTERISTIC FACIES; MENTAL RETARDATION WITH EPILEPSY AND CHARACTERISTIC FACIES. Identifiers: Orphanet 2649, Orphanet 2995, MedGen C1855722, MONDO:0009470, OMIM 243310.
Developmental malformations-deafness-dystonia syndrome (DDS1). Identifiers: Orphanet 79107, MedGen C5848323, MONDO:0011823, OMIM 607371.

Allele frequency attached by ClinVar (database versions not stated): ESP Exome Variant Server 0.00008; gnomAD 0.00012 and 0.00014; TOPMed 0.00019; gnomAD exomes 0.00021 and 0.00027; ExAC 0.00026.
gnomAD v4.1: 319 of 1,614,046 alleles (0.02%); highest among the groups gnomAD compares: East Asian, 0.27%; 1 homozygote.

Submissions (7):

Labcorp Genetics (formerly Invitae), Labcorp
Classification: Benign for Baraitser-Winter syndrome 1. Last evaluated: 2025-12-29. Review status: criteria provided, single submitter. Criteria: Invitae Variant Classification Sherloc (09022015). Collection method: clinical testing. Allele origin: germline.

Blueprint Genetics
Classification: Likely benign. Last evaluated: 2024-07-24. Review status: criteria provided, single submitter. Criteria: ACMG Guidelines, 2015. Collection method: clinical testing. Allele origin: germline.

CeGaT Center for Human Genetics Tuebingen
Classification: Likely benign. Last evaluated: 2023-04-01. Review status: criteria provided, single submitter. Criteria: CeGaT Center For Human Genetics Tuebingen Variant Classification Criteria Version 2. Collection method: clinical testing. Allele origin: germline. Affected: yes. Observed: 1 variant allele.
Comment: ACTB: BP4, BP7, BS1

Genome-Nilou Lab
Classification: Benign for Baraitser-Winter syndrome 1. Last evaluated: 2021-12-05. Review status: criteria provided, single submitter. Criteria: ACMG Guidelines, 2015. Collection method: clinical testing. Allele origin: germline. Affected: no.

Genome-Nilou Lab
Classification: Benign for Developmental malformations-deafness-dystonia syndrome. Last evaluated: 2021-12-05. Review status: criteria provided, single submitter. Criteria: ACMG Guidelines, 2015. Collection method: clinical testing. Allele origin: germline. Affected: no.

Fulgent Genetics
Classification: Likely benign for Baraitser-Winter syndrome 1; Developmental malformations-deafness-dystonia syndrome. Last evaluated: 2021-10-01. Review status: criteria provided, single submitter. Criteria: ACMG Guidelines, 2015. Collection method: clinical testing. Allele origin: unknown.

GeneDx
Classification: Benign. Last evaluated: 2019-10-29. Review status: criteria provided, single submitter. Criteria: GeneDx Variant Classification Process June 2021. Collection method: clinical testing. Allele origin: germline. Affected: yes.

NM_001101.5(ACTB):c.453C>T (p.Ile151=)

Gene: ACTB (actin beta; minus strand). Cytogenetic location: 7p22.1.
Variant type: single nucleotide variant.
Coding change: c.453C>T on transcript NM_001101.5 (MANE Select); coding-DNA position 453, C replaced by T.
Protein change: p.Ile151=; no amino-acid change (isoleucine 151 retained).
Molecular consequence: synonymous variant.
Genome position (GRCh38, 1-based): chr7:5,528,630, G>A on the plus strand (C>T on the coding strand, the complement: ACTB is on the minus strand). VCF-style: chr7-5528630-G-A. GRCh37 (hg19) VCF-style: chr7-5568261-G-A.
Identifiers: ClinVar variation 698838 (VCV000698838.39), dbSNP rs150837984, ClinGen allele CA4147001.
Genomic context (GRCh38, chr7:5,528,630, plus strand): 5'-GAGGGCATACCCCTCGTAGATGGGCACAGTGTGGGTGACCCCGTCACCGGAGTCCATCAC[G>A]ATGCCAGTGGTACGGCCAGAGGCGTACAGGGATAGCACAGCCTGGATAGCAACGTACATG-3'
Protein context (NP_001092.1, residues 141-161): SLYASGRTTG[Ile151=]VMDSGDGVTH